The following is an entry in ClinVar:

ClinVar aggregate classification (germline): Likely benign (1 of 4 stars; one submission).

Submission:

CeGaT Center for Human Genetics Tuebingen
Classification: Likely benign. Last evaluated: 2022-08-01. Review status: criteria provided, single submitter. Criteria: CeGaT Center For Human Genetics Tuebingen Variant Classification Criteria Version 2. Collection method: clinical testing. Allele origin: germline. Affected: yes. Observed: 1 variant allele.
Comment: AHDC1: PM2:Supporting, BP4, BP7

NM_001371928.1(AHDC1):c.810G>A (p.Glu270=)

Gene: AHDC1 (AT-hook DNA binding motif containing 1; minus strand). Cytogenetic location: 1p36.11.
Variant type: single nucleotide variant.
Coding change: c.810G>A on transcript NM_001371928.1 (MANE Select); coding-DNA position 810, G replaced by A.
Protein change: p.Glu270=; no amino-acid change (glutamic acid 270 retained).
Molecular consequence: synonymous variant.
Genome position (GRCh38, 1-based): chr1:27,551,306, C>T on the plus strand (G>A on the coding strand, the complement: AHDC1 is on the minus strand). VCF-style: chr1-27551306-C-T. GRCh37 (hg19) VCF-style: chr1-27877817-C-T.
Other names: c.810G>A, p.Glu270= (NM_001029882.3).
Identifiers: ClinVar variation 2638576 (VCV002638576.24), dbSNP rs2522064168, ClinGen allele CA416979896.